The following is an entry in ClinVar:

NC_000005.10:g.112850367C>A

Variant type: single nucleotide variant.
Genome position: GRCh38 VCF-style: chr5-112850367-C-A. GRCh37 (hg19) VCF-style: chr5-112186064-C-A.
Identifiers: ClinVar variation 83300 (VCV000083300.3), dbSNP rs481789, ClinGen allele CA250992.

ClinVar aggregate classification (germline): other (0 of 4 stars; one submission).

Conditions:
Familial colorectal cancer. Identifiers: MedGen CN280943, MONDO:0023113. Disease mechanism: loss of function.

Submission:

Systems Biology Platform Zhejiang California International NanoSystems Institute
Classification: other for Familial colorectal cancer. Review status: no assertion criteria provided. Collection method: not provided. Allele origin: unknown.
ClinVar note: Converted during submission from cancer to other.